The following is an entry in ClinVar:

ClinVar aggregate classification (germline): Uncertain significance. Review status: criteria provided, multiple submitters, no conflicts (2 of 4 stars). 3 submissions from 3 submitters: Uncertain significance (3). Last evaluated 2024-06-12.

Conditions:
Cardiovascular phenotype. Identifiers: MedGen CN230736.
Autosomal recessive limb-girdle muscular dystrophy type 2J (LGMDR10). Also called: Limb-girdle muscular dystrophy, type 2J; MUSCULAR DYSTROPHY, LIMB-GIRDLE, AUTOSOMAL RECESSIVE 10. Identifiers: Orphanet 140922, MedGen C1837342, MONDO:0012127, OMIM 608807.
Hypertrophic cardiomyopathy 9. Also called: Familial hypertrophic cardiomyopathy 9. Identifiers: MedGen C1861065, MONDO:0013412, OMIM 613765.
Early-onset myopathy with fatal cardiomyopathy (CMYO5). Also called: CONGENITAL MYOPATHY 5 WITH CARDIOMYOPATHY; Salih Myopathy. Identifiers: Orphanet 289377, MedGen C2673677, MONDO:0012714, OMIM 611705. Disease mechanism: loss of function.
Dilated cardiomyopathy 1G (CMD1G). Identifiers: Orphanet 154, MedGen C1858763, MONDO:0011400, OMIM 604145.
Myopathy, myofibrillar, 9, with early respiratory failure (MFM9). Also called: Hereditary myopathy with early respiratory failure; EDSTROM MYOPATHY; MYOPATHY, PROXIMAL, WITH EARLY RESPIRATORY MUSCLE INVOLVEMENT; Myopathy, distal, with early respiratory failure, autosomal dominant. Identifiers: Orphanet 178464, Orphanet 34521, MedGen C1863599, MONDO:0011362, OMIM 603689.
Tibial muscular dystrophy (TMD). Also called: Udd Distal Myopathy – Tibial Muscular Dystrophy; UDD MYOPATHY; Tibial muscular dystrophy, tardive. Identifiers: Orphanet 609, MedGen C1838244, MONDO:0010870, OMIM 600334.

Allele frequency attached by ClinVar (database versions not stated): gnomAD 0.00001; gnomAD exomes 0.00001.
gnomAD v4.1: 14 of 1,513,504 alleles (0.00093%); highest among the groups gnomAD compares: Non-Finnish European, 0.0012%; no homozygotes.

Submissions (3):

Ambry Genetics
Classification: Uncertain significance for Cardiovascular phenotype. Last evaluated: 2024-06-12. Review status: criteria provided, single submitter. Criteria: Ambry Variant Classification Scheme 2023. Collection method: clinical testing. Allele origin: germline.
Comment: The c.35992+5G>T intronic variant results from a G to T substitution 5 nucleotides after coding exon 131 in the TTN gene. This nucleotide position is well conserved in available vertebrate species. In silico splice site analysis predicts that this alteration may result in the creation or strengthening of a novel splice donor site. Based on the available evidence, the clinical significance of this variant remains unclear.

Fulgent Genetics
Classification: Uncertain significance for Tibial muscular dystrophy; Myopathy, myofibrillar, 9, with early respiratory failure; Dilated cardiomyopathy 1G; Autosomal recessive limb-girdle muscular dystrophy type 2J; Early-onset myopathy with fatal cardiomyopathy; Hypertrophic cardiomyopathy 9. Last evaluated: 2021-10-09. Review status: criteria provided, single submitter. Criteria: ACMG Guidelines, 2015. Collection method: clinical testing. Allele origin: unknown.

GeneDx
Classification: Uncertain significance. Last evaluated: 2019-11-21. Review status: criteria provided, single submitter. Criteria: GeneDx Variant Classification Process June 2021. Collection method: clinical testing. Allele origin: germline. Affected: yes.
Comment: Has not been previously published as pathogenic or benign to our knowledge; Not observed at a significant frequency in large population cohorts (Lek et al., 2016); In-silico analysis, which includes splice predictors and evolutionary conservation, is inconclusive as to whether the variant alters gene splicing. In the absence of RNA/functional studies, the actual effect of this sequence change is unknown.

NM_001267550.2(TTN):c.63187+5G>T

Genes: TTN (titin; minus strand), TTN-AS1 (TTN antisense RNA 1; plus strand). Cytogenetic location: 2q31.2.
Variant type: single nucleotide variant.
Coding change: c.63187+5G>T on transcript NM_001267550.2 (MANE Select); 5 bases into the intron after coding-DNA position 63187, G replaced by T.
Molecular consequence: intron variant.
Genome position (GRCh38, 1-based): chr2:178,588,533, C>A on the plus strand (G>T on the coding strand, the complement: TTN is on the minus strand). VCF-style: chr2-178588533-C-A. GRCh37 (hg19) VCF-style: chr2-179453260-C-A.
Other names: c.35992+5G>T (NM_003319.4); c.36568+5G>T (NM_133437.4); c.36367+5G>T (NM_133432.3); c.55483+5G>T (NM_133378.4); c.58264+5G>T (NM_001256850.1).
Identifiers: ClinVar variation 1310521 (VCV001310521.4), dbSNP rs1292388582, ClinGen allele CA538436094.